The following is an entry in ClinVar:

ClinVar aggregate classification (germline): Uncertain significance (1 of 4 stars; one submission).

Conditions:
Hyperaldosteronism, familial, type IV (HALD4). Also called: FH IV; ALDOSTERONISM, PRIMARY, AND HYPERTENSION. Identifiers: Orphanet 642671, MedGen C4310756, MONDO:0014875, OMIM 617027.
Idiopathic generalized epilepsy. Also called: Generalised epilepsy; EIG. Identifiers: MedGen C0270850, MONDO:0005579, OMIM 600669.

gnomAD v4.1: 1 of 1,544,476 alleles (0.000065%); highest among the groups gnomAD compares: Admixed American, 0.002%; no homozygotes.

Submission:

Labcorp Genetics (formerly Invitae), Labcorp
Classification: Uncertain significance for Idiopathic generalized epilepsy; Hyperaldosteronism, familial, type IV. Last evaluated: 2020-07-08. Review status: criteria provided, single submitter. Criteria: Invitae Variant Classification Sherloc (09022015). Collection method: clinical testing. Allele origin: germline.
Comment: In summary, the available evidence is currently insufficient to determine the role of this variant in disease. Therefore, it has been classified as a Variant of Uncertain Significance. Algorithms developed to predict the effect of missense changes on protein structure and function output the following: SIFT: "Tolerated"; PolyPhen-2: "Benign"; Align-GVGD: "Class C0". The valine amino acid residue is found in multiple mammalian species, suggesting that this missense change does not adversely affect protein function. These predictions have not been confirmed by published functional studies and their clinical significance is uncertain. This variant has not been reported in the literature in individuals with CACNA1H-related conditions. The frequency data for this variant in the population databases is considered unreliable, as metrics indicate insufficient coverage at this position in the ExAC database. This sequence change replaces leucine with valine at codon 2009 of the CACNA1H protein (p.Leu2009Val). The leucine residue is weakly conserved and there is a small physicochemical difference between leucine and valine.

NM_021098.3(CACNA1H):c.6025C>G (p.Leu2009Val)

Gene: CACNA1H (calcium voltage-gated channel subunit alpha1 H; plus strand). Cytogenetic location: 16p13.3.
Variant type: single nucleotide variant.
Coding change: c.6025C>G on transcript NM_021098.3 (MANE Select); coding-DNA position 6025, C replaced by G.
Protein change: p.Leu2009Val; replaces leucine 2009 with valine.
Molecular consequence: missense variant.
Genome position (GRCh38, 1-based): chr16:1,219,107, C>G. VCF-style: chr16-1219107-C-G. GRCh37 (hg19) VCF-style: chr16-1269107-C-G.
Other names: c.6007C>G, p.Leu2003Val (NM_001005407.2); short protein forms L2003V, L2009V.
Identifiers: ClinVar variation 1063390 (VCV001063390.9), dbSNP rs1970273640, ClinGen allele CA394148522.
Genomic context (GRCh38, chr16:1,219,107, plus strand): 5'-GCCAGGAGCGGCGAGCCCCTCCACGCCCTGTCCCCTCGGGGCACAGCCCGCTCCCCCAGT[C>G]TCAGCCGGCTGCTCTGCAGACAGGTAGGAGAAGCCGTTGGCCTGCAGCAGAGGCTGGCGG-3'
Protein context (NP_066921.2, residues 1999-2019): SPRGTARSPS[Leu2009Val]SRLLCRQEAV